The following is an entry in ClinVar:

ClinVar aggregate classification (germline): Likely benign. Review status: criteria provided, single submitter (1 of 4 stars). 2 submissions from 2 submitters: Likely benign (1). 1 of the submissions does not count toward it. Last evaluated 2024-01-04.

Conditions:
PHIP-related disorder. Also called: PHIP-related disorders; PHIP-related condition.

Allele frequency attached by ClinVar (database versions not stated): ExAC 0.00001; gnomAD exomes 0.00001; gnomAD 0.00002; TOPMed 0.00003.
gnomAD v4.1: 19 of 1,605,382 alleles (0.0012%); highest among the groups gnomAD compares: African/African-American, 0.004%; no homozygotes.

Submissions (2):

Labcorp Genetics (formerly Invitae), Labcorp
Classification: Likely benign. Last evaluated: 2024-01-04. Review status: criteria provided, single submitter. Criteria: Invitae Variant Classification Sherloc (09022015). Collection method: clinical testing. Allele origin: germline.

PreventionGenetics, part of Exact Sciences
Classification: Likely benign for PHIP-related condition. Last evaluated: 2019-08-12. Review status: no assertion criteria provided. Collection method: clinical testing. Allele origin: germline. Not counted in ClinVar's aggregate classification.
Comment: This variant is classified as likely benign based on ACMG/AMP sequence variant interpretation guidelines (Richards et al. 2015 PMID: 25741868, with internal and published modifications).

NM_017934.7(PHIP):c.3303A>G (p.Gln1101=)

Genes: IRAK1BP1 (interleukin 1 receptor associated kinase 1 binding protein 1; plus strand), PHIP (PHIP subunit of CUL4-Ring ligase complex; minus strand). Cytogenetic location: 6q14.1.
Variant type: single nucleotide variant.
Coding change: c.3303A>G on transcript NM_017934.7 (MANE Select); coding-DNA position 3303, A replaced by G.
Protein change: p.Gln1101=; no amino-acid change (glutamine 1101 retained).
Molecular consequence: synonymous variant.
Genome position (GRCh38, 1-based): chr6:78,965,959, T>C on the plus strand (A>G on the coding strand, the complement: PHIP is on the minus strand). VCF-style: chr6-78965959-T-C. GRCh37 (hg19) VCF-style: chr6-79675676-T-C.
Other names: c.3303A>G (NM_017934.6).
Identifiers: ClinVar variation 2891590 (VCV002891590.5), dbSNP rs772214954, ClinGen allele CA3899735.
Genomic context (GRCh38, chr6:78,965,959, plus strand): 5'-TCAAAGCAAGCCTAGGTGAACTAAAATACAACAAATATTTCCTTACCAAACATTGTAGCA[T>C]TGAAACAGACTATCAGGGTACTCAAGTTGAAGAGGTTCCTGGCTTTCGATTGTTCCAAAC-3'
Protein context (NP_060404.4, residues 1091-1111): LQLEYPDSLF[Gln1101=]CYNVCWDNGD